The following is an entry in ClinVar:

ClinVar aggregate classification (germline): Uncertain significance (1 of 4 stars; one submission).

Conditions:
Sulfite oxidase deficiency due to molybdenum cofactor deficiency type C. Also called: Molybdenum cofactor deficiency, complementation group C; Molybdenum cofactor deficiency C. Identifiers: Orphanet 308400, Orphanet 833, MedGen C1854990, MONDO:0014212, OMIM 615501.

Submission:

Labcorp Genetics (formerly Invitae), Labcorp
Classification: Uncertain significance for Sulfite oxidase deficiency due to molybdenum cofactor deficiency type C. Last evaluated: 2024-01-27. Review status: criteria provided, single submitter. Criteria: Invitae Variant Classification Sherloc (09022015). Collection method: clinical testing. Allele origin: germline.
Comment: This variant results in a copy number gain of the genomic region encompassing exon(s) 9-23 of the GPHN gene. This region includes the termination codon of the gene. This copy number gain extends beyond the assayed region for this gene and therefore may encompass additional genes. As the precise location of this event is unknown, it may be in tandem or it may be located elsewhere in the genome. This variant has not been reported in the literature in individuals affected with GPHN-related conditions. In summary, the available evidence is currently insufficient to determine the role of this variant in disease. Therefore, it has been classified as a Variant of Uncertain Significance.

NC_000014.8:g.(?_67431888)_(67647654_?)dup

Gene: GPHN (gephyrin; plus strand). Cytogenetic location: 14q23.3.
Variant type: Duplication.
Identifiers: ClinVar variation 2426615 (VCV002426615.4).